The following is an entry in ClinVar:

ClinVar aggregate classification (germline): Likely benign. Review status: criteria provided, multiple submitters, no conflicts (2 of 4 stars). 5 submissions from 5 submitters: Likely benign (5). Last evaluated 2026-07-01.

Conditions:
Microcephaly 14, primary, autosomal recessive. Identifiers: Orphanet 2512, MedGen C4225338, MONDO:0014623, OMIM 616402.

Allele frequency attached by ClinVar (database versions not stated): 1000 Genomes Project 0.00060; 1000 Genomes Project 30x 0.00062; gnomAD 0.00148 and 0.00154; TOPMed 0.00151; ESP Exome Variant Server 0.00215.
gnomAD v4.1: 4,387 of 1,603,816 alleles (0.27%); highest among the groups gnomAD compares: Non-Finnish European, 0.35%; 12 homozygotes.

Submissions (5):

CeGaT Center for Human Genetics Tuebingen
Classification: Likely benign. Last evaluated: 2026-07-01. Review status: criteria provided, single submitter. Criteria: CeGaT Center For Human Genetics Tuebingen Variant Classification Criteria Version 2. Collection method: clinical testing. Allele origin: germline. Affected: yes. Observed: 3 variant alleles.
Comment: SASS6: BP4, BP7

Blueprint Genetics
Classification: Likely benign. Last evaluated: 2024-11-25. Review status: criteria provided, single submitter. Criteria: ACMG Guidelines, 2015. Collection method: clinical testing. Allele origin: germline.

Genome-Nilou Lab
Classification: Likely benign for Microcephaly 14, primary, autosomal recessive. Last evaluated: 2023-04-11. Review status: criteria provided, single submitter. Criteria: ACMG Guidelines, 2015. Collection method: clinical testing. Allele origin: germline. Affected: no.

Labcorp Genetics (formerly Invitae), Labcorp
Classification: Likely benign. Last evaluated: 2018-07-05. Review status: criteria provided, single submitter. Criteria: Invitae Variant Classification Sherloc (09022015). Collection method: clinical testing. Allele origin: germline.

Genetic Services Laboratory, University of Chicago
Classification: Likely benign. Last evaluated: 2017-12-01. Review status: criteria provided, single submitter. Criteria: ACMG Guidelines, 2015. Collection method: clinical testing. Allele origin: germline. Affected: no.

NM_194292.3(SASS6):c.873G>C (p.Arg291=)

Gene: SASS6 (SAS-6 centriolar assembly protein; minus strand). Cytogenetic location: 1p21.2.
Variant type: single nucleotide variant.
Coding change: c.873G>C on transcript NM_194292.3 (MANE Select); coding-DNA position 873, G replaced by C.
Protein change: p.Arg291=; no amino-acid change (arginine 291 retained).
Molecular consequence: synonymous variant.
Genome position (GRCh38, 1-based): chr1:100,107,993, C>G on the plus strand (G>C on the coding strand, the complement: SASS6 is on the minus strand). VCF-style: chr1-100107993-C-G. GRCh37 (hg19) VCF-style: chr1-100573549-C-G.
Other names: c.372G>C, p.Arg124= (NM_001304829.2).
Identifiers: ClinVar variation 720071 (VCV000720071.26), dbSNP rs61747274, ClinGen allele CA968380.